The following is an entry in ClinVar:

NM_000038.6(APC):c.7681G>T (p.Val2561Leu)

Gene: APC (APC regulator of Wnt signaling pathway; plus strand). Cytogenetic location: 5q22.2.
Variant type: single nucleotide variant.
Coding change: c.7681G>T on transcript NM_000038.6 (MANE Select); coding-DNA position 7681, G replaced by T.
Protein change: p.Val2561Leu; replaces valine 2561 with leucine.
Molecular consequence: missense variant.
Genome position (GRCh38, 1-based): chr5:112,843,275, G>T. VCF-style: chr5-112843275-G-T. GRCh37 (hg19) VCF-style: chr5-112178972-G-T.
Other names: c.7681G>T, p.Val2561Leu (NM_001127510.3, NM_001354895.2); c.7627G>T, p.Val2543Leu (NM_001127511.3); c.7735G>T, p.Val2579Leu (NM_001354896.2); c.7711G>T, p.Val2571Leu (NM_001354897.2); c.7606G>T, p.Val2536Leu (NM_001354898.2); c.7597G>T, p.Val2533Leu (NM_001354899.2); c.7558G>T, p.Val2520Leu (NM_001354900.2); c.7504G>T, p.Val2502Leu (NM_001354901.2); and 5 more; short protein forms V2401L, V2435L, V2460L, V2502L, V2533L, V2543L, V2278L, V2470L.
Identifiers: ClinVar variation 950600 (VCV000950600.14), dbSNP rs1766540317, ClinGen allele CA16038013.

ClinVar aggregate classification (germline): Uncertain significance. Review status: criteria provided, multiple submitters, no conflicts (2 of 4 stars). 4 submissions from 4 submitters: Uncertain significance (4). Last evaluated 2025-03-26.

Conditions:
Familial adenomatous polyposis 1 (FAP1). Also called: POLYPOSIS, ADENOMATOUS INTESTINAL; FAMILIAL ADENOMATOUS POLYPOSIS 1, ATTENUATED. Identifiers: MedGen C2713442, MONDO:0021056, OMIM 175100. Disease mechanism: loss of function.
Hereditary cancer-predisposing syndrome. Also called: Tumor predisposition; Hereditary neoplastic syndrome; Neoplastic Syndromes, Hereditary; Hereditary Cancer Syndrome. Identifiers: Orphanet 140162, MedGen C0027672, MeSH D009386, MONDO:0015356.

Submissions (4):

Ambry Genetics
Classification: Uncertain significance for Hereditary cancer-predisposing syndrome. Last evaluated: 2025-03-26. Review status: criteria provided, single submitter. Criteria: Ambry Variant Classification Scheme 2023. Collection method: clinical testing. Allele origin: germline.
Comment: The p.V2561L variant (also known as c.7681G>T), located in coding exon 15 of the APC gene, results from a G to T substitution at nucleotide position 7681. The valine at codon 2561 is replaced by leucine, an amino acid with highly similar properties. This amino acid position is conserved. In addition, in silico predictors for this gene do not accurately predict pathogenicity. Based on the available evidence, the clinical significance of this variant remains unclear.

Labcorp Genetics (formerly Invitae), Labcorp
Classification: Uncertain significance for Familial adenomatous polyposis 1. Last evaluated: 2024-11-25. Review status: criteria provided, single submitter. Criteria: Invitae Variant Classification Sherloc (09022015). Collection method: clinical testing. Allele origin: germline.
Comment: This sequence change replaces valine, which is neutral and non-polar, with leucine, which is neutral and non-polar, at codon 2561 of the APC protein (p.Val2561Leu). This variant is not present in population databases (gnomAD no frequency). This variant has not been reported in the literature in individuals affected with APC-related conditions. ClinVar contains an entry for this variant (Variation ID: 950600). Invitae Evidence Modeling of protein sequence and biophysical properties (such as structural, functional, and spatial information, amino acid conservation, physicochemical variation, residue mobility, and thermodynamic stability) indicates that this missense variant is not expected to disrupt APC protein function with a negative predictive value of 95%. In summary, the available evidence is currently insufficient to determine the role of this variant in disease. Therefore, it has been classified as a Variant of Uncertain Significance.

GeneDx
Classification: Uncertain significance. Last evaluated: 2024-04-12. Review status: criteria provided, single submitter. Criteria: GeneDx Variant Classification Process June 2021. Collection method: clinical testing. Allele origin: germline. Affected: yes.
Comment: Not observed at significant frequency in large population cohorts (gnomAD); In silico analysis indicates that this missense variant does not alter protein structure/function; Has not been previously published as pathogenic or benign to our knowledge; This variant is associated with the following publications: (PMID: 18199528)

Baylor Genetics
Classification: Uncertain significance for Familial adenomatous polyposis 1. Last evaluated: 2024-01-08. Review status: criteria provided, single submitter. Criteria: ACMG Guidelines, 2015. Collection method: clinical testing. Allele origin: unknown.